The following is an entry in ClinVar:

ClinVar aggregate classification (germline): Pathogenic. Review status: criteria provided, multiple submitters, no conflicts (2 of 4 stars). 2 submissions from 2 submitters: Pathogenic (2). Last evaluated 2018-11-21.

Conditions:
Hereditary hemorrhagic telangiectasia (HHT). Also called: ORW DISEASE; Osler Weber Rendu syndrome; OSLER-RENDU-WEBER DISEASE; Osler hemorrhagic telangiectasia syndrome. Identifiers: Orphanet 774, MedGen C0039445, MONDO:0019180. Disease mechanism: loss of function.
Telangiectasia, hereditary hemorrhagic, type 1 (HHT1). Also called: Osler Weber Rendu syndrome type 1; ENG-Related Hereditary Hemorrhagic Telangiectasia. Identifiers: Orphanet 774, MedGen C4551861, MONDO:0008535, OMIM 187300. Disease mechanism: loss of function.

Submissions (2):

Labcorp Genetics (formerly Invitae), Labcorp
Classification: Pathogenic for Hereditary hemorrhagic telangiectasia. Last evaluated: 2018-11-21. Review status: criteria provided, single submitter. Criteria: Invitae Variant Classification Sherloc (09022015). Collection method: clinical testing. Allele origin: germline.
Comment: This sequence change affects a donor splice site in intron 5 of the ENG gene. It is expected to disrupt RNA splicing and likely results in an absent or disrupted protein product. This variant is not present in population databases (ExAC no frequency). Disruption of this splice site has been observed in individuals affected with hereditary hemorrhagic telangiectasia (PMID: 12920067, 15024723, Invitae). Algorithms developed to predict the effect of sequence changes on RNA splicing suggest that this variant may disrupt the consensus splice site, but this prediction has not been confirmed by published transcriptional studies. Donor and acceptor splice site variants typically lead to a loss of protein function (PMID: 16199547), and loss-of-function variants in ENG are known to be pathogenic (PMID: 15879500, 20656886, 22385575). For these reasons, this variant has been classified as Pathogenic.

NIHR Bioresource Rare Diseases, University of Cambridge
Classification: Pathogenic for Telangiectasia, hereditary hemorrhagic, type 1. Last evaluated: 2018-01-01. Review status: criteria provided, single submitter. Criteria: ACMG Guidelines, 2015. Collection method: research. Allele origin: unknown. Affected: yes. Observed: 1 variant allele.
Comment: PVS1+PM2+PP4

Literature cited by the submitters: PubMed 12920067 (cited by Labcorp Genetics (formerly Invitae), Labcorp); PubMed 15024723 (cited by Labcorp Genetics (formerly Invitae), Labcorp); PubMed 16199547 (cited by Labcorp Genetics (formerly Invitae), Labcorp); PubMed 15879500 (cited by Labcorp Genetics (formerly Invitae), Labcorp); PubMed 20656886 (cited by Labcorp Genetics (formerly Invitae), Labcorp); PubMed 22385575 (cited by Labcorp Genetics (formerly Invitae), Labcorp); PubMed 32573726 (cited by NIHR Bioresource Rare Diseases, University of Cambridge).

NM_001114753.3(ENG):c.689+1G>A

Gene: ENG (endoglin; minus strand). Cytogenetic location: 9q34.11.
Variant type: single nucleotide variant.
Coding change: c.689+1G>A on transcript NM_001114753.3 (MANE Select); the canonical splice donor site of the intron after coding-DNA position 689, G replaced by A.
Molecular consequence: splice donor variant.
Genome position (GRCh38, 1-based): chr9:127,825,694, C>T on the plus strand (G>A on the coding strand, the complement: ENG is on the minus strand). VCF-style: chr9-127825694-C-T. GRCh37 (hg19) VCF-style: chr9-130587973-C-T.
Other names: c.689+1G>A (NM_000118.4, NM_001406715.1); c.143+1G>A (NM_001278138.2).
Identifiers: ClinVar variation 661834 (VCV000661834.11), dbSNP rs1588582594, ClinGen allele CA374983476.